The following is an entry in ClinVar:

NM_000038.6(APC):c.6024T>C (p.Ala2008=)

Gene: APC (APC regulator of Wnt signaling pathway; plus strand). Cytogenetic location: 5q22.2.
Variant type: single nucleotide variant.
Coding change: c.6024T>C on transcript NM_000038.6 (MANE Select); coding-DNA position 6024, T replaced by C.
Protein change: p.Ala2008=; no amino-acid change (alanine 2008 retained).
Molecular consequence: synonymous variant. On other transcripts: non-coding transcript variant (2).
Genome position (GRCh38, 1-based): chr5:112,841,618, T>C. VCF-style: chr5-112841618-T-C. GRCh37 (hg19) VCF-style: chr5-112177315-T-C.
Other names: c.6024T>C, p.Ala2008= (NM_001127510.3, NM_001354895.2, NM_001407450.1); c.5970T>C, p.Ala1990= (NM_001127511.3); c.6078T>C, p.Ala2026= (NM_001354896.2, NM_001407447.1, NM_001407448.1 and 1 more transcripts); c.6054T>C, p.Ala2018= (NM_001354897.2); c.5949T>C, p.Ala1983= (NM_001354898.2); c.5940T>C, p.Ala1980= (NM_001354899.2); c.5901T>C, p.Ala1967= (NM_001354900.2); c.5847T>C, p.Ala1949= (NM_001354901.2, NM_001407453.1); and 11 more.
Identifiers: ClinVar variation 3254446 (VCV003254446.1), dbSNP rs2149955147.

ClinVar aggregate classification (germline): Benign (1 of 4 stars; one submission).

Conditions:
Familial adenomatous polyposis 1 (FAP1). Also called: FAMILIAL ADENOMATOUS POLYPOSIS 1, ATTENUATED; POLYPOSIS, ADENOMATOUS INTESTINAL. Identifiers: MedGen C2713442, MONDO:0021056, OMIM 175100. Disease mechanism: loss of function.

Submission:

Myriad Genetics, Inc.
Classification: Benign for Familial adenomatous polyposis 1. Last evaluated: 2024-04-03. Review status: criteria provided, single submitter. Criteria: Myriad Autosomal Dominant, Autosomal Recessive and X-Linked Classification Criteria (2023). Collection method: clinical testing. Allele origin: unknown.
Comment: This variant is considered benign. This variant is a silent/synonymous amino acid change and it is not expected to impact splicing.